The following is an entry in ClinVar:

NM_006907.4(PYCR1):c.441G>C (p.Arg147Ser)

Gene: PYCR1 (pyrroline-5-carboxylate reductase 1; minus strand). Cytogenetic location: 17q25.3.
Variant type: single nucleotide variant.
Coding change: c.441G>C on transcript NM_006907.4 (MANE Select); coding-DNA position 441, G replaced by C.
Protein change: p.Arg147Ser; replaces arginine 147 with serine.
Molecular consequence: missense variant.
Genome position (GRCh38, 1-based): chr17:81,935,025, C>G on the plus strand (G>C on the coding strand, the complement: PYCR1 is on the minus strand). VCF-style: chr17-81935025-C-G. GRCh37 (hg19) VCF-style: chr17-79892901-C-G.
Other names: c.441G>C, p.Arg147Ser (NM_001282279.2, NM_001282280.2, NM_001330523.2 and 1 more transcripts); c.522G>C, p.Arg174Ser (NM_001282281.2); short protein forms R147S, R174S.
Identifiers: ClinVar variation 3907722 (VCV003907722.1).
Genomic context (GRCh38, chr17:81,935,025, plus strand): 5'-AATCAGGTCCTCTTCCACCTCCGTGCAGAAGCCCACGCTGCTCAGCAGCTGCTCCATGAG[C>G]CTCCCGTCCTCCACCTGGGCGTGCGTGCCTGTGGCATACACGGTGGCCCCCTCCCGCACC-3'
Protein context (NP_008838.2, residues 137-157): TGTHAQVEDG[Arg147Ser]LMEQLLSSVG

ClinVar aggregate classification (germline): Uncertain significance (1 of 4 stars; one submission).

gnomAD v4.1: 4 of 1,610,380 alleles (0.00025%); highest among the groups gnomAD compares: Non-Finnish European, 0.00034%; no homozygotes.

Submission:

GeneDx
Classification: Uncertain significance. Last evaluated: 2024-12-31. Review status: criteria provided, single submitter. Criteria: GeneDx Variant Classification Process June 2021. Collection method: clinical testing. Allele origin: germline. Affected: yes.
Comment: Not observed at significant frequency in large population cohorts (gnomAD); In silico analysis indicates that this missense variant does not alter protein structure/function; Has not been previously published as pathogenic or benign to our knowledge